The following is an entry in ClinVar:

ClinVar aggregate classification (germline): Likely benign. Review status: criteria provided, multiple submitters, no conflicts (2 of 4 stars). 3 submissions from 3 submitters: Likely benign (3). Last evaluated 2025-12-27.

Allele frequency attached by ClinVar (database versions not stated): ExAC 0.00022.

Submissions (3):

Labcorp Genetics (formerly Invitae), Labcorp
Classification: Likely benign. Last evaluated: 2025-12-27. Review status: criteria provided, single submitter. Criteria: Invitae Variant Classification Sherloc (09022015). Collection method: clinical testing. Allele origin: germline.

Mayo Clinic Laboratories, Mayo Clinic
Classification: Likely benign. Last evaluated: 2024-11-14. Review status: criteria provided, single submitter. Criteria: ACMG Guidelines, 2015. Collection method: clinical testing. Allele origin: germline. Observed: 9 variant alleles.
Comment: BP4, BP7

Breakthrough Genomics
Classification: Likely benign. Review status: criteria provided, single submitter. Criteria: ACMG Guidelines, 2015. Collection method: not provided. Allele origin: germline. Inheritance: Autosomal recessive inheritance. Affected: yes.

NM_031475.3(ESPN):c.1293A>C (p.Pro431=)

Gene: ESPN (espin; plus strand). Cytogenetic location: 1p36.31.
Variant type: single nucleotide variant.
Coding change: c.1293A>C on transcript NM_031475.3 (MANE Select); coding-DNA position 1293, A replaced by C.
Protein change: p.Pro431=; no amino-acid change (proline 431 retained).
Molecular consequence: synonymous variant.
Genome position (GRCh38, 1-based): chr1:6,445,764, A>C. VCF-style: chr1-6445764-A-C. GRCh37 (hg19) VCF-style: chr1-6505824-A-C.
Other names: p.Pro431=; c.1293A>C, p.Pro431= (NM_001367473.1, NM_001367474.1).
Identifiers: ClinVar variation 769235 (VCV000769235.10), dbSNP rs530882053, ClinGen allele CA560184.